The following is an entry in ClinVar:

ClinVar aggregate classification (germline): Uncertain significance (1 of 4 stars; one submission).

Submission:

Labcorp Genetics (formerly Invitae), Labcorp
Classification: Uncertain significance. Last evaluated: 2023-06-28. Review status: criteria provided, single submitter. Criteria: Invitae Variant Classification Sherloc (09022015). Collection method: clinical testing. Allele origin: germline.
Comment: This sequence change replaces lysine, which is basic and polar, with arginine, which is basic and polar, at codon 1050 of the C5 protein (p.Lys1050Arg). This variant is not present in population databases (gnomAD no frequency). This variant has not been reported in the literature in individuals affected with C5-related conditions. Advanced modeling of protein sequence and biophysical properties (such as structural, functional, and spatial information, amino acid conservation, physicochemical variation, residue mobility, and thermodynamic stability) performed at Invitae indicates that this missense variant is not expected to disrupt C5 protein function. In summary, the available evidence is currently insufficient to determine the role of this variant in disease. Therefore, it has been classified as a Variant of Uncertain Significance.

NM_001735.3(C5):c.3149A>G (p.Lys1050Arg)

Gene: C5 (complement C5; minus strand). Cytogenetic location: 9q33.2.
Variant type: single nucleotide variant.
Coding change: c.3149A>G on transcript NM_001735.3 (MANE Select); coding-DNA position 3149, A replaced by G.
Protein change: p.Lys1050Arg; replaces lysine 1050 with arginine.
Molecular consequence: missense variant.
Genome position (GRCh38, 1-based): chr9:120,989,573, T>C on the plus strand (A>G on the coding strand, the complement: C5 is on the minus strand). VCF-style: chr9-120989573-T-C. GRCh37 (hg19) VCF-style: chr9-123751851-T-C.
Other names: c.3167A>G, p.Lys1056Arg (NM_001317163.2); short protein forms K1056R, K1050R.
Identifiers: ClinVar variation 2847510 (VCV002847510.3), dbSNP rs2540400569, ClinGen allele CA374731866.